The following is an entry in ClinVar:

NM_007215.4(POLG2):c.1199A>T (p.Gln400Leu)

Genes: MILR1 (mast cell immunoglobulin like receptor 1; plus strand), POLG2 (DNA polymerase gamma 2, accessory subunit; minus strand). Cytogenetic location: 17q23.3.
Variant type: single nucleotide variant.
Coding change: c.1199A>T on transcript NM_007215.4 (MANE Select); coding-DNA position 1199, A replaced by T.
Protein change: p.Gln400Leu; replaces glutamine 400 with leucine.
Molecular consequence: missense variant.
Genome position (GRCh38, 1-based): chr17:64,480,382, T>A on the plus strand (A>T on the coding strand, the complement: POLG2 is on the minus strand). VCF-style: chr17-64480382-T-A. GRCh37 (hg19) VCF-style: chr17-62476499-T-A.
Other names: short protein forms Q400L.
Identifiers: ClinVar variation 2077438 (VCV002077438.4), dbSNP rs782232122, ClinGen allele CA400636530.

ClinVar aggregate classification (germline): Uncertain significance (1 of 4 stars; one submission).

Submission:

Labcorp Genetics (formerly Invitae), Labcorp
Classification: Uncertain significance. Last evaluated: 2022-08-16. Review status: criteria provided, single submitter. Criteria: Invitae Variant Classification Sherloc (09022015). Collection method: clinical testing. Allele origin: germline.
Comment: This variant has not been reported in the literature in individuals affected with POLG2-related conditions. In summary, the available evidence is currently insufficient to determine the role of this variant in disease. Therefore, it has been classified as a Variant of Uncertain Significance. Algorithms developed to predict the effect of missense changes on protein structure and function are either unavailable or do not agree on the potential impact of this missense change (SIFT: "Deleterious"; PolyPhen-2: "Possibly Damaging"; Align-GVGD: "Class C0"). This variant is not present in population databases (gnomAD no frequency). This sequence change replaces glutamine, which is neutral and polar, with leucine, which is neutral and non-polar, at codon 400 of the POLG2 protein (p.Gln400Leu).